The following is an entry in ClinVar:

NM_000393.5(COL5A2):c.4106G>A (p.Gly1369Glu)

Gene: COL5A2 (collagen type V alpha 2 chain; minus strand). Cytogenetic location: 2q32.2.
Variant type: single nucleotide variant.
Coding change: c.4106G>A on transcript NM_000393.5 (MANE Select); coding-DNA position 4106, G replaced by A.
Protein change: p.Gly1369Glu; replaces glycine 1369 with glutamic acid.
Molecular consequence: missense variant.
Genome position (GRCh38, 1-based): chr2:189,036,623, C>T on the plus strand (G>A on the coding strand, the complement: COL5A2 is on the minus strand). VCF-style: chr2-189036623-C-T. GRCh37 (hg19) VCF-style: chr2-189901349-C-T.
Other names: short protein forms G1369E.
Identifiers: ClinVar variation 636797 (VCV000636797.11), dbSNP rs759631023, ClinGen allele CA2021859.

ClinVar aggregate classification (germline): Uncertain significance. Review status: criteria provided, multiple submitters, no conflicts (2 of 4 stars). 3 submissions from 3 submitters: Uncertain significance (3). Last evaluated 2026-01-27.

Conditions:
Ehlers-Danlos syndrome, classic type, 1 (EDSCL1). Also called: Ehlers-Danlos syndrome, type 1; EHLERS-DANLOS SYNDROME, GRAVIS TYPE; EHLERS-DANLOS SYNDROME, SEVERE CLASSIC TYPE; Ehlers-Danlos Syndrome, Classic Type, COL5A1-Related; EDS I. Identifiers: MedGen C0268335, MONDO:0019567, OMIM 130000.

Allele frequency attached by ClinVar (database versions not stated): gnomAD exomes below 0.00001 and 0.00001; ExAC 0.00001; TOPMed 0.00001.
gnomAD v4.1: 4 of 1,611,398 alleles (0.00025%); highest among the groups gnomAD compares: Non-Finnish European, 0.00034%; no homozygotes.

Submissions (3):

Labcorp Genetics (formerly Invitae), Labcorp
Classification: Uncertain significance for Ehlers-Danlos syndrome, classic type, 1. Last evaluated: 2026-01-27. Review status: criteria provided, single submitter. Criteria: Invitae Variant Classification Sherloc (09022015). Collection method: clinical testing. Allele origin: germline.
Comment: This sequence change replaces glycine, which is neutral and non-polar, with glutamic acid, which is acidic and polar, at codon 1369 of the COL5A2 protein (p.Gly1369Glu). This variant is present in population databases (rs759631023, gnomAD 0.0009%). This missense change has been observed in individual(s) with clinical features of Ehlers-Danlos syndrome (internal data). ClinVar contains an entry for this variant (Variation ID: 636797). Invitae Evidence Modeling of protein sequence and biophysical properties (such as structural, functional, and spatial information, amino acid conservation, physicochemical variation, residue mobility, and thermodynamic stability) indicates that this missense variant is not expected to disrupt COL5A2 protein function with a negative predictive value of 80%. In summary, the available evidence is currently insufficient to determine the role of this variant in disease. Therefore, it has been classified as a Variant of Uncertain Significance.

Women's Health and Genetics/Laboratory Corporation of America, LabCorp
Classification: Uncertain significance. Last evaluated: 2025-02-10. Review status: criteria provided, single submitter. Criteria: LabCorp Variant Classification Summary - May 2015. Collection method: clinical testing. Allele origin: germline.

Blueprint Genetics
Classification: Uncertain significance. Last evaluated: 2020-12-10. Review status: criteria provided, single submitter. Criteria: ACMG Guidelines, 2015. Collection method: clinical testing. Allele origin: germline.